The following is an entry in ClinVar:

ClinVar aggregate classification (germline): Uncertain significance (1 of 4 stars; one submission).

Conditions:
Very long chain acyl-CoA dehydrogenase deficiency (ACADVLD). Also called: VLCAD Deficiency; Very Long-Chain Acyl-Coenzyme A Dehydrogenase Deficiency. Identifiers: Orphanet 26793, MedGen C3887523, MONDO:0008723, OMIM 201475.

Submission:

Labcorp Genetics (formerly Invitae), Labcorp
Classification: Uncertain significance for Very long chain acyl-CoA dehydrogenase deficiency. Last evaluated: 2022-07-31. Review status: criteria provided, single submitter. Criteria: Invitae Variant Classification Sherloc (09022015). Collection method: clinical testing. Allele origin: germline.
Comment: This sequence change falls in intron 16 of the ACADVL gene. It does not directly change the encoded amino acid sequence of the ACADVL protein. It affects a nucleotide within the consensus splice site. Information on the frequency of this variant in the gnomAD database is not available, as this variant may be reported differently in the database. This variant has not been reported in the literature in individuals affected with ACADVL-related conditions. Variants that disrupt the consensus splice site are a relatively common cause of aberrant splicing (PMID: 17576681, 9536098). Experimental studies and prediction algorithms are not available or were not evaluated, and the effect of this variant on mRNA splicing is currently unknown. In summary, the available evidence is currently insufficient to determine the role of this variant in disease. Therefore, it has been classified as a Variant of Uncertain Significance.

Literature cited by the submitters: PubMed 17576681; PubMed 9536098.

NM_000018.4(ACADVL):c.1605+5_1605+6inv

Gene: ACADVL (acyl-CoA dehydrogenase very long chain; plus strand). Cytogenetic location: 17p13.1.
Variant type: Inversion.
Coding change: c.1605+5_1605+6inv on transcript NM_000018.4 (MANE Select).
Molecular consequence: intron variant.
Genome position: GRCh38 VCF-style: chr17-7224398-GT-AC. GRCh37 (hg19) VCF-style: chr17-7127717-GT-AC.
Other names: c.1674+5_1674+6inv (NM_001270447.2); c.1377+5_1377+6inv (NM_001270448.2); c.1539+5_1539+6inv (NM_001033859.3).
Identifiers: ClinVar variation 2200692 (VCV002200692.1), ClinGen allele CA2580094836.
Genomic context (GRCh38, chr17:7,224,398, plus strand): 5'-GCGGCCTGAGTCTCAGCGGACTTGTCCACCCGGAGTTGAGTCGGAGTGGCGAGCTGGTAA[GT>AC]GGCCAGGGGTCCAGGAGAGCCTGCATCAGGGACTGCAGCCGATGGCCCCTCTGAGCCCCG-3'